The following is an entry in ClinVar:

NM_001368894.2(PAX6):c.566-1G>C

Gene: PAX6 (paired box 6; minus strand). Cytogenetic location: 11p13.
Variant type: single nucleotide variant.
Coding change: c.566-1G>C on transcript NM_001368894.2 (MANE Select); the canonical splice acceptor site of the intron before coding-DNA position 566, G replaced by C.
Molecular consequence: splice acceptor variant.
Genome position (GRCh38, 1-based): chr11:31,794,789, C>G on the plus strand (G>C on the coding strand, the complement: PAX6 is on the minus strand). VCF-style: chr11-31794789-C-G. GRCh37 (hg19) VCF-style: chr11-31816337-C-G.
Other names: c.524-1G>C (NM_001127612.3, NM_001368890.2, NM_001368888.2 and 10 more transcripts); c.365-1G>C (NM_001368921.2, NM_001368923.2, NM_001368926.2 and 4 more transcripts); c.566-1G>C (NM_001258462.3, NM_001310158.2, NM_001258463.2 and 6 more transcripts); c.641-1G>C (NM_001368919.2, NM_001368918.2); c.116-1G>C (NM_001368905.2, NM_001368909.2, NM_001368904.2 and 11 more transcripts); c.599-1G>C (NM_001368920.2); c.767-1G>C (NM_001368910.2); c.569-1G>C (NM_001368911.2); and 2 more.
Identifiers: ClinVar variation 4786881 (VCV004786881.1).

ClinVar aggregate classification (germline): Pathogenic (1 of 4 stars; one submission).

Conditions:
Aniridia 1 (AN1). Identifiers: Orphanet 250923, MedGen C0344542, MONDO:0024507, OMIM 106210.
Irido-corneo-trabecular dysgenesis (ASGD5). Also called: ANTERIOR SEGMENT DYSGENESIS 5. Identifiers: Orphanet 708, MedGen C0344559, MONDO:0011414, OMIM 604229, HP:0000659.

Submission:

Labcorp Genetics (formerly Invitae), Labcorp
Classification: Pathogenic for Aniridia 1; Irido-corneo-trabecular dysgenesis. Last evaluated: 2025-12-01. Review status: criteria provided, single submitter. Criteria: Invitae Variant Classification Sherloc (09022015). Collection method: clinical testing. Allele origin: germline.
Comment: This sequence change affects an acceptor splice site in intron 7 of the PAX6 gene. It is expected to disrupt RNA splicing. Variants that disrupt the donor or acceptor splice site typically lead to a loss of protein function (PMID: 16199547), and loss-of-function variants in PAX6 are known to be pathogenic (PMID: 12634864). This variant is not present in population databases (gnomAD no frequency). Disruption of this splice site has been observed in individual(s) with aniridia (PMID: 32360764). Algorithms developed to predict the effect of sequence changes on RNA splicing suggest that this variant may disrupt the consensus splice site. For these reasons, this variant has been classified as Pathogenic.

Literature cited by the submitters: PubMed 16199547; PubMed 12634864; PubMed 32360764.